The following is an entry in ClinVar:

ClinVar aggregate classification (germline): Uncertain significance (1 of 4 stars; one submission).

Conditions:
Aortic aneurysm, familial thoracic 7 (AAT7). Also called: AORTIC DISSECTION, FAMILIAL, WITH OR WITHOUT AORTIC ANEURYSM. Identifiers: MedGen C3151077, MONDO:0013418, OMIM 613780.

gnomAD v4.1: 6 of 1,603,462 alleles (0.00037%); highest among the groups gnomAD compares: Non-Finnish European, 0.00042%; no homozygotes.

Submission:

Labcorp Genetics (formerly Invitae), Labcorp
Classification: Uncertain significance for Aortic aneurysm, familial thoracic 7. Last evaluated: 2022-11-28. Review status: criteria provided, single submitter. Criteria: Invitae Variant Classification Sherloc (09022015). Collection method: clinical testing. Allele origin: germline.
Comment: This sequence change replaces glycine, which is neutral and non-polar, with arginine, which is basic and polar, at codon 822 of the MYLK protein (p.Gly822Arg). This variant is not present in population databases (gnomAD no frequency). This variant has not been reported in the literature in individuals affected with MYLK-related conditions. Algorithms developed to predict the effect of missense changes on protein structure and function output the following: SIFT: "Deleterious"; PolyPhen-2: "Benign"; Align-GVGD: "Class C65". The arginine amino acid residue is found in multiple mammalian species, which suggests that this missense change does not adversely affect protein function. Algorithms developed to predict the effect of sequence changes on RNA splicing suggest that this variant may create or strengthen a splice site. In summary, the available evidence is currently insufficient to determine the role of this variant in disease. Therefore, it has been classified as a Variant of Uncertain Significance.

NM_053025.4(MYLK):c.2464G>C (p.Gly822Arg)

Gene: MYLK (myosin light chain kinase; minus strand). Cytogenetic location: 3q21.1.
Variant type: single nucleotide variant.
Coding change: c.2464G>C on transcript NM_053025.4 (MANE Select); coding-DNA position 2464, G replaced by C.
Protein change: p.Gly822Arg; replaces glycine 822 with arginine.
Molecular consequence: missense variant.
Genome position (GRCh38, 1-based): chr3:123,701,004, C>G on the plus strand (G>C on the coding strand, the complement: MYLK is on the minus strand). VCF-style: chr3-123701004-C-G. GRCh37 (hg19) VCF-style: chr3-123419851-C-G.
Other names: c.1936G>C, p.Gly646Arg (NM_001321309.2); c.2257G>C, p.Gly753Arg (NM_053026.4, NM_053028.4); c.2464G>C, p.Gly822Arg (NM_053027.4); short protein forms G646R, G753R, G822R.
Identifiers: ClinVar variation 1991001 (VCV001991001.4), dbSNP rs776358725, ClinGen allele CA354232608.